The following is an entry in ClinVar:

NM_001286577.2(C2CD3):c.3813G>A (p.Leu1271=)

Gene: C2CD3 (C2 domain containing 3 centriole elongation regulator; minus strand). Cytogenetic location: 11q13.4.
Variant type: single nucleotide variant.
Coding change: c.3813G>A on transcript NM_001286577.2 (MANE Select); coding-DNA position 3813, G replaced by A.
Protein change: p.Leu1271=; no amino-acid change (leucine 1271 retained).
Molecular consequence: synonymous variant.
Genome position (GRCh38, 1-based): chr11:74,085,715, C>T on the plus strand (G>A on the coding strand, the complement: C2CD3 is on the minus strand). VCF-style: chr11-74085715-C-T. GRCh37 (hg19) VCF-style: chr11-73796760-C-T.
Other names: p.Leu1271=; c.3813G>A, p.Leu1271= (NM_015531.6); c.3813G>A (NM_001286577.1).
Identifiers: ClinVar variation 720352 (VCV000720352.36), dbSNP rs112581232, ClinGen allele CA6182282.

ClinVar aggregate classification (germline): Benign/Likely benign. Review status: criteria provided, multiple submitters, no conflicts (2 of 4 stars). 5 submissions from 5 submitters: Benign (2); Likely benign (3). Last evaluated 2026-04-01.

Allele frequency attached by ClinVar (database versions not stated): ExAC 0.00179; gnomAD 0.00374 and 0.00381; gnomAD exomes 0.00162; TOPMed 0.00458; ESP Exome Variant Server 0.00524; 1000 Genomes Project 0.00639; 1000 Genomes Project 30x 0.00640.
gnomAD v4.1: 2,245 of 1,614,098 alleles (0.14%); highest among the groups gnomAD compares: Middle Eastern, 1.7%; 13 homozygotes.

Submissions (5):

CeGaT Center for Human Genetics Tuebingen
Classification: Likely benign. Last evaluated: 2026-04-01. Review status: criteria provided, single submitter. Criteria: CeGaT Center For Human Genetics Tuebingen Variant Classification Criteria Version 2. Collection method: clinical testing. Allele origin: germline. Affected: yes. Observed: 3 variant alleles.
Comment: C2CD3: BP4, BS1

Labcorp Genetics (formerly Invitae), Labcorp
Classification: Benign. Last evaluated: 2026-01-26. Review status: criteria provided, single submitter. Criteria: Invitae Variant Classification Sherloc (09022015). Collection method: clinical testing. Allele origin: germline.

Mayo Clinic Laboratories, Mayo Clinic
Classification: Likely benign. Last evaluated: 2025-02-20. Review status: criteria provided, single submitter. Criteria: ACMG Guidelines, 2015. Collection method: clinical testing. Allele origin: germline. Observed: 2 variant alleles.
Comment: BS1, BP4, BP7

Blueprint Genetics
Classification: Likely benign. Last evaluated: 2024-11-27. Review status: criteria provided, single submitter. Criteria: ACMG Guidelines, 2015. Collection method: clinical testing. Allele origin: germline.

Breakthrough Genomics
Classification: Benign. Review status: criteria provided, single submitter. Criteria: ACMG Guidelines, 2015. Collection method: not provided. Allele origin: germline. Inheritance: Autosomal recessive inheritance. Affected: yes.